The following is an entry in ClinVar:

NM_024490.4(ATP10A):c.2127C>T (p.Ala709=)

Gene: ATP10A (ATPase phospholipid transporting 10A (putative); minus strand). Cytogenetic location: 15q12.
Variant type: single nucleotide variant.
Coding change: c.2127C>T on transcript NM_024490.4 (MANE Select); coding-DNA position 2127, C replaced by T.
Protein change: p.Ala709=; no amino-acid change (alanine 709 retained).
Molecular consequence: synonymous variant.
Genome position (GRCh38, 1-based): chr15:25,713,891, G>A on the plus strand (C>T on the coding strand, the complement: ATP10A is on the minus strand). VCF-style: chr15-25713891-G-A. GRCh37 (hg19) VCF-style: chr15-25959038-G-A.
Identifiers: ClinVar variation 3050871 (VCV003050871.2), dbSNP rs1901596606, ClinGen allele CA489233873.

ClinVar aggregate classification (germline): Likely benign (0 of 4 stars; one submission).

Conditions:
ATP10A-related disorder. Also called: ATP10A-related condition.

Allele frequency attached by ClinVar (database versions not stated): TOPMed below 0.00001; gnomAD exomes 0.00001.
gnomAD v4.1: 6 of 1,613,616 alleles (0.00037%); highest among the groups gnomAD compares: Non-Finnish European, 0.00051%; no homozygotes.

Submission:

PreventionGenetics, part of Exact Sciences
Classification: Likely benign for ATP10A-related condition. Last evaluated: 2019-07-23. Review status: no assertion criteria provided. Collection method: clinical testing. Allele origin: germline.
Comment: This variant is classified as likely benign based on ACMG/AMP sequence variant interpretation guidelines (Richards et al. 2015 PMID: 25741868, with internal and published modifications).